The following is an entry in ClinVar:

NM_000465.4(BARD1):c.1112A>C (p.Lys371Thr)

Gene: BARD1 (BRCA1 associated RING domain 1; minus strand). Cytogenetic location: 2q35.
Variant type: single nucleotide variant.
Coding change: c.1112A>C on transcript NM_000465.4 (MANE Select); coding-DNA position 1112, A replaced by C.
Protein change: p.Lys371Thr; replaces lysine 371 with threonine.
Molecular consequence: missense variant. On other transcripts: non-coding transcript variant (2), intron variant (3).
Genome position (GRCh38, 1-based): chr2:214,780,762, T>G on the plus strand (A>C on the coding strand, the complement: BARD1 is on the minus strand). VCF-style: chr2-214780762-T-G. GRCh37 (hg19) VCF-style: chr2-215645486-T-G.
Other names: c.1055A>C, p.Lys352Thr (NM_001282543.2); c.159-28207A>C (NM_001282548.2); c.215+16299A>C (NM_001282545.2); c.364+11535A>C (NM_001282549.2); short protein forms K371T, K352T.
Identifiers: ClinVar variation 1795417 (VCV001795417.2), dbSNP rs2469503640, ClinGen allele CA350454035.

ClinVar aggregate classification (germline): Uncertain significance (1 of 4 stars; one submission).

Conditions:
Hereditary cancer-predisposing syndrome. Also called: Tumor predisposition; Hereditary Cancer Syndrome; Neoplastic Syndromes, Hereditary; Hereditary neoplastic syndrome. Identifiers: Orphanet 140162, MedGen C0027672, MeSH D009386, MONDO:0015356.

Submission:

Ambry Genetics
Classification: Uncertain significance for Hereditary cancer-predisposing syndrome. Last evaluated: 2021-08-11. Review status: criteria provided, single submitter. Criteria: Ambry Variant Classification Scheme 2023. Collection method: clinical testing. Allele origin: germline.
Comment: The p.K371T variant (also known as c.1112A>C), located in coding exon 4 of the BARD1 gene, results from an A to C substitution at nucleotide position 1112. The lysine at codon 371 is replaced by threonine, an amino acid with similar properties. This amino acid position is conserved. In addition, this alteration is predicted to be tolerated by in silico analysis. Since supporting evidence is limited at this time, the clinical significance of this alteration remains unclear.